The following is an entry in ClinVar:

NM_015335.5(MED13L):c.4869G>A (p.Ala1623=)

Gene: MED13L (mediator complex subunit 13L; minus strand). Cytogenetic location: 12q24.21.
Variant type: single nucleotide variant.
Coding change: c.4869G>A on transcript NM_015335.5 (MANE Select); coding-DNA position 4869, G replaced by A.
Protein change: p.Ala1623=; no amino-acid change (alanine 1623 retained).
Molecular consequence: synonymous variant.
Genome position (GRCh38, 1-based): chr12:115,983,203, C>T on the plus strand (G>A on the coding strand, the complement: MED13L is on the minus strand). VCF-style: chr12-115983203-C-T. GRCh37 (hg19) VCF-style: chr12-116421008-C-T.
Other names: c.4869G>A (NM_015335.4).
Identifiers: ClinVar variation 3626845 (VCV003626845.3).
Genomic context (GRCh38, chr12:115,983,203, plus strand): 5'-AGAAGAGCTCTGCCCAGGGTCAGTGTCTCCACCACAGCCTATGTTCCCTTGCGTTCTATC[C>T]GCAGAAATGCCCCCAGTGCTGGGGTTCTGCCCTCCAACACTACCACTGAATCCTGAAGAA-3'
Protein context (NP_056150.1, residues 1613-1633): GQNPSTGGIS[Ala1623=]DRTQGNIGCG

ClinVar aggregate classification (germline): Likely benign. Review status: criteria provided, multiple submitters, no conflicts (2 of 4 stars). 2 submissions from 2 submitters: Likely benign (2). Last evaluated 2025-12-08.

Conditions:
Dextro-looped transposition of the great arteries. Also called: Dextrotransposition of the great arteries. Identifiers: Orphanet 860, MedGen C3531771, MONDO:0019443, OMIM 608808, HP:0031348.
MED13L-related disorder. Also called: MED13L-related condition.

gnomAD v4.1: 23 of 1,614,038 alleles (0.0014%); highest among the groups gnomAD compares: South Asian, 0.0088%; no homozygotes.

Submissions (2):

PreventionGenetics, part of Exact Sciences
Classification: Likely benign for MED13L-related condition. Last evaluated: 2025-12-08. Review status: criteria provided, single submitter. Criteria: ACMG Guidelines, 2015. Collection method: clinical testing. Allele origin: germline.
Comment: This variant is classified as likely benign based on ACMG/AMP sequence variant interpretation guidelines (Richards et al. 2015 PMID: 25741868, with internal and published modifications).

Labcorp Genetics (formerly Invitae), Labcorp
Classification: Likely benign for Dextro-looped transposition of the great arteries. Last evaluated: 2024-05-17. Review status: criteria provided, single submitter. Criteria: Invitae Variant Classification Sherloc (09022015). Collection method: clinical testing. Allele origin: germline.